The following is an entry in ClinVar:

ClinVar aggregate classification (germline): Uncertain significance. Review status: criteria provided, multiple submitters, no conflicts (2 of 4 stars). 3 submissions from 3 submitters: Uncertain significance (3). Last evaluated 2025-05-26.

Allele frequency attached by ClinVar (database versions not stated): gnomAD exomes below 0.00001 and 0.00001; TOPMed 0.00001.
gnomAD v4.1: 3 of 1,614,130 alleles (0.00019%); highest among the groups gnomAD compares: Admixed American, 0.005%; no homozygotes.

Submissions (3):

Ambry Genetics
Classification: Uncertain significance. Last evaluated: 2025-05-26. Review status: criteria provided, single submitter. Criteria: Ambry Variant Classification Scheme 2023. Collection method: clinical testing. Allele origin: germline.

Labcorp Genetics (formerly Invitae), Labcorp
Classification: Uncertain significance. Last evaluated: 2025-02-17. Review status: criteria provided, single submitter. Criteria: Invitae Variant Classification Sherloc (09022015). Collection method: clinical testing. Allele origin: germline.
Comment: This sequence change replaces asparagine, which is neutral and polar, with serine, which is neutral and polar, at codon 485 of the SLC7A14 protein (p.Asn485Ser). This variant is present in population databases (no rsID available, gnomAD 0.003%). This variant has not been reported in the literature in individuals affected with SLC7A14-related conditions. ClinVar contains an entry for this variant (Variation ID: 1405124). An algorithm developed to predict the effect of missense changes on protein structure and function (PolyPhen-2) suggests that this variant is likely to be tolerated. In summary, the available evidence is currently insufficient to determine the role of this variant in disease. Therefore, it has been classified as a Variant of Uncertain Significance.

Blueprint Genetics
Classification: Uncertain significance. Last evaluated: 2022-02-08. Review status: criteria provided, single submitter. Criteria: ACMG Guidelines, 2015. Collection method: clinical testing. Allele origin: germline.

NM_020949.3(SLC7A14):c.1454A>G (p.Asn485Ser)

Genes: SLC7A14 (solute carrier family 7 member 14; minus strand), SLC7A14-AS1 (SLC7A14 antisense RNA 1; plus strand). Cytogenetic location: 3q26.2.
Variant type: single nucleotide variant.
Coding change: c.1454A>G on transcript NM_020949.3 (MANE Select); coding-DNA position 1454, A replaced by G.
Protein change: p.Asn485Ser; replaces asparagine 485 with serine.
Molecular consequence: missense variant.
Genome position (GRCh38, 1-based): chr3:170,480,828, T>C on the plus strand (A>G on the coding strand, the complement: SLC7A14 is on the minus strand). VCF-style: chr3-170480828-T-C. GRCh37 (hg19) VCF-style: chr3-170198617-T-C.
Other names: c.1454A>G (NM_020949.2); short protein forms N485S.
Identifiers: ClinVar variation 1405124 (VCV001405124.7), dbSNP rs1260117148, ClinGen allele CA355490223.